The following is an entry in ClinVar:

NM_001267550.2(TTN):c.11005G>A (p.Val3669Ile)

Gene: TTN (titin; minus strand). Cytogenetic location: 2q31.2.
Variant type: single nucleotide variant.
Coding change: c.11005G>A on transcript NM_001267550.2 (MANE Select); coding-DNA position 11005, G replaced by A.
Protein change: p.Val3669Ile; replaces valine 3669 with isoleucine.
Molecular consequence: missense variant. On other transcripts: intron variant (5).
Genome position (GRCh38, 1-based): chr2:178,756,471, C>T on the plus strand (G>A on the coding strand, the complement: TTN is on the minus strand). VCF-style: chr2-178756471-C-T. GRCh37 (hg19) VCF-style: chr2-179621198-C-T.
Other names: c.10492G>A, p.Val3498Ile (NM_133437.4); c.10165+2513G>A (NM_003319.4); c.10540+1071G>A (NM_133432.3); c.10303+2513G>A (NM_133378.4, NM_001256850.1, NM_133379.5); short protein forms V3498I, V3669I.
Identifiers: ClinVar variation 4535970 (VCV004535970.1).

ClinVar aggregate classification (germline): Uncertain significance (1 of 4 stars; one submission).

gnomAD v4.1: 54 of 1,613,806 alleles (0.0033%); highest among the groups gnomAD compares: Middle Eastern, 0.017%; no homozygotes.

Submission:

Women's Health and Genetics/Laboratory Corporation of America, LabCorp
Classification: Uncertain significance. Last evaluated: 2025-09-25. Review status: criteria provided, single submitter. Criteria: LabCorp Variant Classification Summary - May 2015. Collection method: clinical testing. Allele origin: germline.
Comment: Variant summary: TTN c.10303+2513G>A is located at a position not widely known to affect splicing. This variant corresponds to c.10303+2513G>A in NM_001267550. Consensus agreement among computation tools predict no significant impact on normal splicing. However, these predictions have yet to be confirmed by functional studies. The variant allele was found at a frequency of 1.2e-05 in 248670 control chromosomes. The available data on variant occurrences in the general population are insufficient to allow any conclusion about variant significance. To our knowledge, no occurrence of c.10303+2513G>A in individuals affected with TTN-related conditions and no experimental evidence demonstrating its impact on protein function have been reported. No submitters have cited clinical-significance assessments for this variant to ClinVar. Based on the evidence outlined above, the variant was classified as uncertain significance.